The following is an entry in ClinVar:

ClinVar aggregate classification (germline): Uncertain significance. Review status: criteria provided, multiple submitters, no conflicts (2 of 4 stars). 2 submissions from 2 submitters: Uncertain significance (2). Last evaluated 2024-02-24.

Conditions:
Spastic paraplegia. Identifiers: MedGen C0037772, HP:0001258.

Allele frequency attached by ClinVar (database versions not stated): gnomAD exomes 0.00001 and 0.00003; ExAC 0.00002; TOPMed 0.00003; gnomAD 0.00004; 1000 Genomes Project 30x 0.00016; 1000 Genomes Project 0.00020.
gnomAD v4.1: 16 of 1,614,116 alleles (0.00099%); highest among the groups gnomAD compares: East Asian, 0.011%; no homozygotes.

Submissions (2):

Labcorp Genetics (formerly Invitae), Labcorp
Classification: Uncertain significance for Spastic paraplegia. Last evaluated: 2024-02-24. Review status: criteria provided, single submitter. Criteria: Invitae Variant Classification Sherloc (09022015). Collection method: clinical testing. Allele origin: germline.
Comment: This sequence change replaces arginine, which is basic and polar, with glutamine, which is neutral and polar, at codon 269 of the ZFYVE26 protein (p.Arg269Gln). This variant is present in population databases (rs553573718, gnomAD 0.02%). This variant has not been reported in the literature in individuals affected with ZFYVE26-related conditions. ClinVar contains an entry for this variant (Variation ID: 281416). Algorithms developed to predict the effect of missense changes on protein structure and function output the following: SIFT: "Not Available"; PolyPhen-2: "Benign"; Align-GVGD: "Not Available". The glutamine amino acid residue is found in multiple mammalian species, which suggests that this missense change does not adversely affect protein function. In summary, the available evidence is currently insufficient to determine the role of this variant in disease. Therefore, it has been classified as a Variant of Uncertain Significance.

Eurofins Ntd Llc (ga)
Classification: Uncertain significance. Last evaluated: 2015-06-17. Review status: criteria provided, single submitter. Criteria: EGL Classification Definitions 2015. Collection method: clinical testing. Allele origin: germline. Observed: 1 variant allele, 1 heterozygote.

NM_015346.4(ZFYVE26):c.806G>A (p.Arg269Gln)

Gene: ZFYVE26 (zinc finger FYVE-type containing 26; minus strand). Cytogenetic location: 14q24.1.
Variant type: single nucleotide variant.
Coding change: c.806G>A on transcript NM_015346.4 (MANE Select); coding-DNA position 806, G replaced by A.
Protein change: p.Arg269Gln; replaces arginine 269 with glutamine.
Molecular consequence: missense variant.
Genome position (GRCh38, 1-based): chr14:67,807,478, C>T on the plus strand (G>A on the coding strand, the complement: ZFYVE26 is on the minus strand). VCF-style: chr14-67807478-C-T. GRCh37 (hg19) VCF-style: chr14-68274195-C-T.
Other names: short protein forms R269Q.
Identifiers: ClinVar variation 281416 (VCV000281416.10), dbSNP rs553573718, ClinGen allele CA7240699.